The following is an entry in ClinVar:

ClinVar aggregate classification (germline): Uncertain significance (1 of 4 stars; one submission).

Submission:

Labcorp Genetics (formerly Invitae), Labcorp
Classification: Uncertain significance. Last evaluated: 2022-07-12. Review status: criteria provided, single submitter. Criteria: Invitae Variant Classification Sherloc (09022015). Collection method: clinical testing. Allele origin: germline.
Comment: ClinVar contains an entry for this variant (Variation ID: 1468766). In summary, the available evidence is currently insufficient to determine the role of this variant in disease. Therefore, it has been classified as a Variant of Uncertain Significance. Algorithms developed to predict the effect of missense changes on protein structure and function output the following: SIFT: "Deleterious"; PolyPhen-2: "Benign"; Align-GVGD: "Class C25". The valine amino acid residue is found in multiple mammalian species, which suggests that this missense change does not adversely affect protein function. This variant has not been reported in the literature in individuals affected with VCAN-related conditions. This variant is not present in population databases (gnomAD no frequency). This sequence change replaces leucine, which is neutral and non-polar, with valine, which is neutral and non-polar, at codon 2910 of the VCAN protein (p.Leu2910Val).

NM_004385.5(VCAN):c.8728T>G (p.Leu2910Val)

Genes: VCAN (versican; plus strand), VCAN-AS1 (VCAN antisense RNA 1; minus strand). Cytogenetic location: 5q14.3.
Variant type: single nucleotide variant.
Coding change: c.8728T>G on transcript NM_004385.5 (MANE Select); coding-DNA position 8728, T replaced by G.
Protein change: p.Leu2910Val; replaces leucine 2910 with valine.
Molecular consequence: missense variant. On other transcripts: intron variant (2).
Genome position (GRCh38, 1-based): chr5:83,541,731, T>G. VCF-style: chr5-83541731-T-G. GRCh37 (hg19) VCF-style: chr5-82837550-T-G.
Other names: c.5767T>G, p.Leu1923Val (NM_001164097.2); c.4004-3806T>G (NM_001164098.2); c.1043-3806T>G (NM_001126336.3); short protein forms L2910V, L1923V.
Identifiers: ClinVar variation 1468766 (VCV001468766.8), dbSNP rs2112450443, ClinGen allele CA360294045.